The following is an entry in ClinVar:

ClinVar aggregate classification (germline): Uncertain significance (1 of 4 stars; one submission).

Conditions:
Inborn genetic diseases. Identifiers: MedGen C0950123, MeSH D030342.

Submission:

Ambry Genetics
Classification: Uncertain significance for Inborn genetic diseases. Last evaluated: 2025-09-17. Review status: criteria provided, single submitter. Criteria: Ambry Variant Classification Scheme 2023. Collection method: clinical testing. Allele origin: germline.
Comment: The p.R1225K variant (also known as c.3674G>A), located in coding exon 17 of the MECOM gene, results from a G to A substitution at nucleotide position 3674. The arginine at codon 1225 is replaced by lysine, an amino acid with highly similar properties. This amino acid position is conserved. In addition, this alteration is predicted to be tolerated by in silico analysis. Based on the available evidence, the clinical significance of this variant remains unclear.

NM_004991.4(MECOM):c.3674G>A (p.Arg1225Lys)

Gene: MECOM (MDS1 and EVI1 complex locus; minus strand). Cytogenetic location: 3q26.2.
Variant type: single nucleotide variant.
Coding change: c.3674G>A on transcript NM_004991.4 (MANE Select); coding-DNA position 3674, G replaced by A.
Protein change: p.Arg1225Lys; replaces arginine 1225 with lysine.
Molecular consequence: missense variant.
Genome position (GRCh38, 1-based): chr3:169,084,955, C>T on the plus strand (G>A on the coding strand, the complement: MECOM is on the minus strand). VCF-style: chr3-169084955-C-T. GRCh37 (hg19) VCF-style: chr3-168802743-C-T.
Other names: c.3305G>A, p.Arg1102Lys (NM_001105077.4); c.3110G>A, p.Arg1037Lys (NM_001105078.4, NM_001205194.2, NM_001366469.2 and 1 more transcripts); c.3086G>A, p.Arg1029Lys (NM_001163999.2, NM_001366470.2); c.3083G>A, p.Arg1028Lys (NM_001164000.2, NM_001366471.2, NM_001366472.2); c.3647G>A, p.Arg1216Lys (NM_001366466.2); c.3113G>A, p.Arg1038Lys (NM_001366467.2, NM_001366468.2); c.2675G>A, p.Arg892Lys (NM_001366473.2); c.2111G>A, p.Arg704Lys (NM_001366474.2); short protein forms R1037K, R1038K, R892K, R1029K, R1102K, R1028K, R1225K, R1216K.
Identifiers: ClinVar variation 4624585 (VCV004624585.1).